The following is an entry in ClinVar:

ClinVar aggregate classification (germline): Uncertain significance. Review status: criteria provided, multiple submitters, no conflicts (2 of 4 stars). 2 submissions from 2 submitters: Uncertain significance (2). Last evaluated 2025-10-13.

Conditions:
3-Methylglutaconic aciduria type 2 (BTHS). Also called: CARDIOSKELETAL MYOPATHY WITH NEUTROPENIA AND ABNORMAL MITOCHONDRIA; Barth syndrome. Identifiers: Orphanet 111, MedGen C0574083, MONDO:0010543, OMIM 302060.
Cardiovascular phenotype. Identifiers: MedGen CN230736.

Allele frequency attached by ClinVar (database versions not stated): gnomAD exomes 0.00001; gnomAD 0.00002; TOPMed 0.00002.
gnomAD v4.1: 11 of 1,208,970 alleles (0.00091%); highest among the groups gnomAD compares: African/African-American, 0.0053%; no homozygotes.

Submissions (2):

Labcorp Genetics (formerly Invitae), Labcorp
Classification: Uncertain significance for 3-Methylglutaconic aciduria type 2. Last evaluated: 2025-10-13. Review status: criteria provided, single submitter. Criteria: Invitae Variant Classification Sherloc (09022015). Collection method: clinical testing. Allele origin: germline.
Comment: This sequence change replaces valine, which is neutral and non-polar, with isoleucine, which is neutral and non-polar, at codon 157 of the TAZ protein (p.Val157Ile). The frequency data for this variant in the population databases is considered unreliable, as metrics indicate poor data quality at this position in the gnomAD database. This variant has not been reported in the literature in individuals affected with TAZ-related conditions. ClinVar contains an entry for this variant (Variation ID: 644011). An algorithm developed to predict the effect of missense changes on protein structure and function (PolyPhen-2) suggests that this variant is likely to be disruptive. In summary, the available evidence is currently insufficient to determine the role of this variant in disease. Therefore, it has been classified as a Variant of Uncertain Significance.

Ambry Genetics
Classification: Uncertain significance for Cardiovascular phenotype. Last evaluated: 2025-09-16. Review status: criteria provided, single submitter. Criteria: Ambry Variant Classification Scheme 2023. Collection method: clinical testing. Allele origin: germline.
Comment: The p.V157I variant (also known as c.469G>A), located in coding exon 6 of the TAZ gene, results from a G to A substitution at nucleotide position 469. The valine at codon 157 is replaced by isoleucine, an amino acid with highly similar properties. Based on data from gnomAD, the A allele has an overall frequency of 0.0005% (1/183484) total alleles studied, with 1 hemizygote(s) observed. The highest observed frequency was 0.0012% (1/81940) of European (non-Finnish) alleles. This amino acid position is highly conserved in available vertebrate species. In addition, the in silico prediction for this alteration is inconclusive. Since supporting evidence is limited at this time, the clinical significance of this alteration remains unclear.

NM_000116.5(TAFAZZIN):c.469G>A (p.Val157Ile)

Gene: TAFAZZIN (tafazzin, phospholipid-lysophospholipid transacylase; plus strand). Cytogenetic location: Xq28.
Variant type: single nucleotide variant.
Coding change: c.469G>A on transcript NM_000116.5 (MANE Select); coding-DNA position 469, G replaced by A.
Protein change: p.Val157Ile; replaces valine 157 with isoleucine.
Molecular consequence: missense variant. On other transcripts: non-coding transcript variant (1).
Genome position (GRCh38, 1-based): chrX:154,419,551, G>A. VCF-style: chrX-154419551-G-A. GRCh37 (hg19) VCF-style: chrX-153647890-G-A.
Other names: c.523G>A, p.Val175Ile (NM_001303465.2); c.379G>A, p.Val127Ile (NM_181311.4, NM_181313.4); c.469G>A, p.Val157Ile (NM_181312.4); c.469G>A (NM_000116.3); short protein forms V157I, V127I, V175I.
Identifiers: ClinVar variation 644011 (VCV000644011.7), dbSNP rs782173851, ClinGen allele CA337287771.
Genomic context (GRCh38, chrX:154,419,551, plus strand): 5'-ACCCCACGCCCCCGAGAATGGTTACTGATAGGGAGAGGCCTTTTCCTTGCAGGAGATGGC[G>A]TCTACCAGAAGGGGATGGACTTCATTTTGGAGAAGCTCAACCATGGGGACTGGGTGCATA-3'
Protein context (NP_000107.1, residues 147-167): AGKRREKGDG[Val157Ile]YQKGMDFILE